The following is an entry in ClinVar:

NM_001378418.1(TCF20):c.5842G>T (p.Ala1948Ser)

Gene: TCF20 (transcription factor 20; minus strand). Cytogenetic location: 22q13.2.
Variant type: single nucleotide variant.
Coding change: c.5842G>T on transcript NM_001378418.1 (MANE Select); coding-DNA position 5842, G replaced by T.
Protein change: p.Ala1948Ser; replaces alanine 1948 with serine.
Molecular consequence: missense variant. On other transcripts: intron variant (1).
Genome position (GRCh38, 1-based): chr22:42,168,694, C>A on the plus strand (G>T on the coding strand, the complement: TCF20 is on the minus strand). VCF-style: chr22-42168694-C-A. GRCh37 (hg19) VCF-style: chr22-42564700-C-A.
Other names: c.5842G>T, p.Ala1948Ser (NM_005650.4); c.5799+1153G>T (NM_181492.3); short protein forms A1948S.
Identifiers: ClinVar variation 2231125 (VCV002231125.8), dbSNP rs539500058, ClinGen allele CA10266320.
Genomic context (GRCh38, chr22:42,168,694, plus strand): 5'-CACGAGCACACTGCCCCCCTCACCCCCGCTCCGACTGCTCTGTGCTGAGGCTGCCTTTCG[C>A]GGTCTTGTTCTGCAAGGGGGGGAGAGGGCACGGAAGGGGAGGCTGACACGGGCAAAACCA-3'
Protein context (NP_001365347.1, residues 1938-1958): CPLPPLQNKT[Ala1948Ser]KGSLSTEQSE

ClinVar aggregate classification (germline): Conflicting classifications of pathogenicity. Review status: criteria provided, conflicting classifications (1 of 4 stars). 2 submissions from 2 submitters: Uncertain significance (1); Likely benign (1). Last evaluated 2025-10-01.

Conditions:
Inborn genetic diseases. Identifiers: MedGen C0950123, MeSH D030342.

gnomAD v4.1: 34 of 1,610,520 alleles (0.0021%); highest among the groups gnomAD compares: East Asian, 0.0022%; no homozygotes.

Submissions (2):

CeGaT Center for Human Genetics Tuebingen
Classification: Likely benign. Last evaluated: 2025-10-01. Review status: criteria provided, single submitter. Criteria: CeGaT Center For Human Genetics Tuebingen Variant Classification Criteria Version 2. Collection method: clinical testing. Allele origin: germline. Affected: yes. Observed: 1 variant allele.
Comment: TCF20: BP4, BS2

Ambry Genetics
Classification: Uncertain significance for Inborn genetic diseases. Last evaluated: 2021-04-28. Review status: criteria provided, single submitter. Criteria: Ambry Variant Classification Scheme 2023. Collection method: clinical testing. Allele origin: germline.